The following is an entry in ClinVar:

ClinVar aggregate classification (germline): Pathogenic (1 of 4 stars; one submission).

Conditions:
Retinoblastoma (RB1). Also called: RETINOBLASTOMA, SOMATIC. Identifiers: Orphanet 790, MedGen C0035335, MeSH D012175, MONDO:0008380, OMIM 180200, HP:0009919. Disease mechanism: loss of function. Inheritance: Both sporadic and heritable forms are tested..

Submission:

Genetic Diagnostic Laboratory, University of Pennsylvania School of Medicine
Classification: Pathogenic for Retinoblastoma. Last evaluated: 2024-05-20. Review status: criteria provided, single submitter. Criteria: ACMG Guidelines, 2015. Collection method: clinical testing. Allele origin: germline. Affected: yes. Observed: 1 variant allele.
Comment: Case and Pedigree Information: BILATERAL CASES:1, UNILATERAL CASES:0, TOTAL CASES:1, PEDIGREES:1. ACMG Codes Applied:PVS1, PM2

NM_000321.3(RB1):c.2373_2374insA (p.Phe792fs)

Gene: RB1 (RB transcriptional corepressor 1; plus strand). Cytogenetic location: 13q14.2.
Variant type: Insertion.
Coding change: c.2373_2374insA on transcript NM_000321.3 (MANE Select); coding-DNA positions 2373 to 2374, A inserted.
Protein change: p.Phe792fs; shifts the reading frame from phenylalanine 792.
Molecular consequence: frameshift variant.
Genome position: GRCh38 VCF-style: chr13-48465252-G-GA. GRCh37 (hg19) VCF-style: chr13-49039388-G-GA.
Other names: c.2373_2374insA, p.Phe792fs (NM_001407165.1); short protein forms F792fs.
Identifiers: ClinVar variation 3237089 (VCV003237089.1), dbSNP rs2542375805.